The following is an entry in ClinVar:

NM_001267550.2(TTN):c.5669G>A (p.Arg1890His)

Gene: TTN (titin; minus strand). Cytogenetic location: 2q31.2.
Variant type: single nucleotide variant.
Coding change: c.5669G>A on transcript NM_001267550.2 (MANE Select); coding-DNA position 5669, G replaced by A.
Protein change: p.Arg1890His; replaces arginine 1890 with histidine.
Molecular consequence: missense variant.
Genome position (GRCh38, 1-based): chr2:178,776,195, C>T on the plus strand (G>A on the coding strand, the complement: TTN is on the minus strand). VCF-style: chr2-178776195-C-T. GRCh37 (hg19) VCF-style: chr2-179640922-C-T.
Other names: c.5669G>A, p.Arg1890His (NM_001256850.1, NM_133378.4, NM_133379.5); c.5531G>A, p.Arg1844His (NM_003319.4, NM_133432.3, NM_133437.4); short protein forms R1844H, R1890H.
Identifiers: ClinVar variation 1748145 (VCV001748145.31), dbSNP rs370027329, ClinGen allele CA2005149.

ClinVar aggregate classification (germline): Conflicting classifications of pathogenicity. Review status: criteria provided, conflicting classifications (1 of 4 stars). 4 submissions from 4 submitters: Uncertain significance (3); Likely benign (1). Last evaluated 2026-03-27.

Conditions:
Cardiovascular phenotype. Identifiers: MedGen CN230736.

Allele frequency attached by ClinVar (database versions not stated): gnomAD 0.00001; TOPMed 0.00002; ESP Exome Variant Server 0.00008.
gnomAD v4.1: 12 of 1,614,016 alleles (0.00074%); highest among the groups gnomAD compares: East Asian, 0.0045%; no homozygotes.

Submissions (4):

Molecular Diagnostic Laboratory for Inherited Cardiovascular Disease, Montreal Heart Institute
Classification: Likely benign. Last evaluated: 2026-03-27. Review status: criteria provided, single submitter. Criteria: ACMG Guidelines, 2015. Collection method: clinical testing. Allele origin: germline. Affected: no.
Comment: BP1

ARUP Laboratories, Molecular Genetics and Genomics, ARUP Laboratories
Classification: Uncertain significance. Last evaluated: 2024-12-09. Review status: criteria provided, single submitter. Criteria: ARUP Molecular Germline Variant Investigation Process 2024. Collection method: clinical testing. Allele origin: germline.
Comment: The TTN c.5669G>A; p.Arg1890His variant (rs370027329; ClinVar Variation ID: 1748145) is rare in the general population (<0.2% allele frequency in the Genome Aggregation Database) and has been reported in one individual with Joubert syndrome (Vilboux 2017). The clinical relevance of rare missense variants in this gene, which are identified on average once per individual sequenced in affected populations (Herman 2012), is not well understood. Yet, evidence suggests that the vast majority of such missense variants do not contribute to the clinical outcome of DCM (Begay 2015). Thus, the clinical significance of the p.Arg1890His variant cannot be determined with certainty. References: Begay RL et al. Role of Titin Missense Variants in Dilated Cardiomyopathy. J Am Heart Assoc. 2015 Nov 13;4(11). PMID: 26567375. Herman DS et al. Truncations of titin causing dilated cardiomyopathy. N Engl J Med. 2012 Feb 16;366(7):619-28. PMID: 22335739. Linke WA and Hamdani N. Gigantic business: titin properties and function through thick and thin. Circ Res 2014; 114(6): 1052-1068. PMID: 24625729. Vilboux T et al. CELSR2, encoding a planar cell polarity protein, is a putative gene in Joubert syndrome with cortical heterotopia, microophthalmia, and growth hormone deficiency. Am J Med Genet A. 2017 Mar;173(3):661-666. PMID: 28052552.

CeGaT Center for Human Genetics Tuebingen
Classification: Uncertain significance. Last evaluated: 2023-01-01. Review status: criteria provided, single submitter. Criteria: CeGaT Center For Human Genetics Tuebingen Variant Classification Criteria Version 2. Collection method: clinical testing. Allele origin: germline. Affected: yes. Observed: 1 variant allele.
Comment: TTN: PM2

Ambry Genetics
Classification: Uncertain significance for Cardiovascular phenotype. Last evaluated: 2018-08-25. Review status: criteria provided, single submitter. Criteria: Ambry Variant Classification Scheme 2023. Collection method: clinical testing. Allele origin: germline.
Comment: The p.R1844H variant (also known as c.5531G>A), located in coding exon 26 of the TTN gene, results from a G to A substitution at nucleotide position 5531. The arginine at codon 1844 is replaced by histidine, an amino acid with highly similar properties. This variant, reported as p.R1890H (c.5669G>A), was detected on exome sequencing in an individual with Joubert syndrome who also had multiple other variants (Vilboux T et al. Am. J. Med. Genet. A, 2017 Mar;173:661-666). Another variant affecting this codon (p.R1844C) was detected in a dilated cardiomyopathy cohort; however clinical details were limited (Haas J et al. Eur. Heart J., 2015 May;36:1123-35a). This amino acid position is well conserved in available vertebrate species; however, histidine is the reference amino acid in other vertebrate species. In addition, the in silico prediction for this alteration is inconclusive. Since supporting evidence is limited at this time, the clinical significance of this alteration remains unclear.

Literature cited by the submitters: PubMed 25163546 (cited by Ambry Genetics); PubMed 28052552 (cited by Ambry Genetics).